The following is an entry in ClinVar:

NM_000081.4(LYST):c.1013A>G (p.Asp338Gly)

Gene: LYST (lysosomal trafficking regulator; minus strand). Cytogenetic location: 1q42.3.
Variant type: single nucleotide variant.
Coding change: c.1013A>G on transcript NM_000081.4 (MANE Select); coding-DNA position 1013, A replaced by G.
Protein change: p.Asp338Gly; replaces aspartic acid 338 with glycine.
Molecular consequence: missense variant.
Genome position (GRCh38, 1-based): chr1:235,809,805, T>C on the plus strand (A>G on the coding strand, the complement: LYST is on the minus strand). VCF-style: chr1-235809805-T-C. GRCh37 (hg19) VCF-style: chr1-235973105-T-C.
Other names: c.1013A>G, p.Asp338Gly (NM_001301365.1); short protein forms D338G.
Identifiers: ClinVar variation 2419602 (VCV002419602.6), dbSNP rs1033465227, ClinGen allele CA39618022.

ClinVar aggregate classification (germline): Uncertain significance (1 of 4 stars; one submission).

Conditions:
Chédiak-Higashi syndrome (CHS). Also called: Chediak-Higashi Syndrome. Identifiers: Orphanet 167, MedGen C0007965, MONDO:0008963, OMIM 214500.

Allele frequency attached by ClinVar (database versions not stated): gnomAD exomes 0.00001; TOPMed 0.00002.
gnomAD v4.1: 19 of 1,614,016 alleles (0.0012%); highest among the groups gnomAD compares: Non-Finnish European, 0.0015%; no homozygotes.

Submission:

Labcorp Genetics (formerly Invitae), Labcorp
Classification: Uncertain significance for Chédiak-Higashi syndrome. Last evaluated: 2022-08-21. Review status: criteria provided, single submitter. Criteria: Invitae Variant Classification Sherloc (09022015). Collection method: clinical testing. Allele origin: germline.
Comment: In summary, the available evidence is currently insufficient to determine the role of this variant in disease. Therefore, it has been classified as a Variant of Uncertain Significance. Algorithms developed to predict the effect of missense changes on protein structure and function output the following: SIFT: "Tolerated"; PolyPhen-2: "Benign"; Align-GVGD: "Class C0". The glycine amino acid residue is found in multiple mammalian species, which suggests that this missense change does not adversely affect protein function. This variant has not been reported in the literature in individuals affected with LYST-related conditions. This variant is not present in population databases (gnomAD no frequency). This sequence change replaces aspartic acid, which is acidic and polar, with glycine, which is neutral and non-polar, at codon 338 of the LYST protein (p.Asp338Gly).